The following is an entry in ClinVar:

ClinVar aggregate classification (germline): Likely benign (0 of 4 stars; one submission).

Conditions:
NPHP3-related disorder. Also called: NPHP3-related disorders; NPHP3-related condition. Identifiers: MedGen CN379163.

Submission:

PreventionGenetics, part of Exact Sciences
Classification: Likely benign for NPHP3-related condition. Last evaluated: 2024-05-15. Review status: no assertion criteria provided. Collection method: clinical testing. Allele origin: germline.
Comment: This variant is classified as likely benign based on ACMG/AMP sequence variant interpretation guidelines (Richards et al. 2015 PMID: 25741868, with internal and published modifications).

NM_153240.5(NPHP3):c.3216T>A (p.Leu1072=)

Genes: NPHP3 (nephrocystin 3; minus strand), NPHP3-ACAD11 (NPHP3-ACAD11 readthrough (NMD candidate); minus strand). Cytogenetic location: 3q22.1.
Variant type: single nucleotide variant.
Coding change: c.3216T>A on transcript NM_153240.5 (MANE Select); coding-DNA position 3216, T replaced by A.
Protein change: p.Leu1072=; no amino-acid change (leucine 1072 retained).
Molecular consequence: synonymous variant. On other transcripts: non-coding transcript variant (1).
Genome position (GRCh38, 1-based): chr3:132,686,373, A>T on the plus strand (T>A on the coding strand, the complement: NPHP3 is on the minus strand). VCF-style: chr3-132686373-A-T. GRCh37 (hg19) VCF-style: chr3-132405217-A-T.
Identifiers: ClinVar variation 3344267 (VCV003344267.1).